The following is an entry in ClinVar:

NM_015046.7(SETX):c.1690T>G (p.Leu564Val)

Gene: SETX (senataxin; minus strand). Cytogenetic location: 9q34.13.
Variant type: single nucleotide variant.
Coding change: c.1690T>G on transcript NM_015046.7 (MANE Select); coding-DNA position 1690, T replaced by G.
Protein change: p.Leu564Val; replaces leucine 564 with valine.
Molecular consequence: missense variant.
Genome position (GRCh38, 1-based): chr9:132,329,908, A>C on the plus strand (T>G on the coding strand, the complement: SETX is on the minus strand). VCF-style: chr9-132329908-A-C. GRCh37 (hg19) VCF-style: chr9-135205295-A-C.
Other names: c.1690T>G, p.Leu564Val (NM_001351527.2, NM_001351528.2); short protein forms L564V.
Identifiers: ClinVar variation 448307 (VCV000448307.14), dbSNP rs761877146, ClinGen allele CA5297732.

ClinVar aggregate classification (germline): Conflicting classifications of pathogenicity. Review status: criteria provided, conflicting classifications (1 of 4 stars). 4 submissions from 4 submitters: Uncertain significance (3); Benign (1). Last evaluated 2024-11-12.

Conditions:
Inborn genetic diseases. Identifiers: MedGen C0950123, MeSH D030342.
Amyotrophic lateral sclerosis type 4 (ALS4). Also called: NEURONOPATHY, DISTAL HEREDITARY MOTOR, WITH PYRAMIDAL FEATURES; AMYOTROPHIC LATERAL SCLEROSIS 4, JUVENILE. Identifiers: Orphanet 357043, MedGen C1865409, MONDO:0011223, OMIM 602433.
Spinocerebellar ataxia, autosomal recessive, with axonal neuropathy 2 (SCAN2). Also called: ATAXIA-OCULOMOTOR APRAXIA 2; Ataxia with Oculomotor Apraxia Type 2; Ataxia with Oculomotor Apraxia; Ataxia-ocular apraxia-2. Identifiers: Orphanet 64753, MedGen C1853761, MONDO:0018996, OMIM 606002.

Allele frequency attached by ClinVar (database versions not stated): gnomAD exomes 0.00001 and 0.00006; TOPMed 0.00004; ExAC 0.00005; gnomAD 0.00005 and 0.00006.
gnomAD v4.1: 27 of 1,614,066 alleles (0.0017%); highest among the groups gnomAD compares: East Asian, 0.033%; no homozygotes.

Submissions (4):

Labcorp Genetics (formerly Invitae), Labcorp
Classification: Benign for Amyotrophic lateral sclerosis type 4; Spinocerebellar ataxia, autosomal recessive, with axonal neuropathy 2. Last evaluated: 2024-11-12. Review status: criteria provided, single submitter. Criteria: Invitae Variant Classification Sherloc (09022015). Collection method: clinical testing. Allele origin: germline.

GeneDx
Classification: Uncertain significance. Last evaluated: 2024-04-24. Review status: criteria provided, single submitter. Criteria: GeneDx Variant Classification Process June 2021. Collection method: clinical testing. Allele origin: germline. Affected: yes.
Comment: Reported in a patient with sporadic amyotrophic lateral sclerosis (PMID: 30220148); In silico analysis indicates that this missense variant does not alter protein structure/function; This variant is associated with the following publications: (PMID: 30220148)

Ambry Genetics
Classification: Uncertain significance for Inborn genetic diseases. Last evaluated: 2020-12-22. Review status: criteria provided, single submitter. Criteria: Ambry Variant Classification Scheme 2023. Collection method: clinical testing. Allele origin: germline.
Comment: The p.L564V variant (also known as c.1690T>G), located in coding exon 8 of the SETX gene, results from a T to G substitution at nucleotide position 1690. The leucine at codon 564 is replaced by valine, an amino acid with highly similar properties. This amino acid position is well conserved in available vertebrate species. This alteration has been reported in a heterozygous state in a single patient with sporadic amyotrophic lateral sclerosis (Zhang H et al. Amyotroph Lateral Scler Frontotemporal Degene, 2018 08;19:419-425). In addition, this alteration is predicted to be tolerated by in silico analysis. Based on the supporting evidence, this variant is unlikely to be causative of juvenile amyotrophic lateral sclerosis 4; however, its contribution to the development of spinocerebellar ataxia with axonal neuropathy 2 is uncertain.

Athena Diagnostics
Classification: Uncertain significance. Last evaluated: 2017-06-20. Review status: criteria provided, single submitter. Criteria: Athena Diagnostics Criteria. Collection method: clinical testing. Allele origin: germline.

Literature cited by the submitters: PubMed 29411640 (cited by Ambry Genetics).